The following is an entry in ClinVar:

NM_001167.4(XIAP):c.568dup (p.Tyr190fs)

Gene: XIAP (X-linked inhibitor of apoptosis; plus strand). Cytogenetic location: Xq25.
Variant type: Duplication.
Coding change: c.568dup on transcript NM_001167.4 (MANE Select); coding-DNA position 568, one base duplicated (T; older notation c.568dupT).
Protein change: p.Tyr190fs; shifts the reading frame from tyrosine 190.
Molecular consequence: frameshift variant.
Genome position (GRCh38, 1-based): chrX:123,886,230, T duplicated. VCF-style (leftmost placement, unchanged base first): chrX-123886229-C-CT. GRCh37 (hg19) VCF-style: chrX-123020079-C-CT.
Other names: c.568dup, p.Tyr190fs (NM_001204401.2, NM_001378590.1, NM_001378591.1 and 1 more transcripts); short protein forms Y190fs.
Identifiers: ClinVar variation 3645202 (VCV003645202.2).
Genomic context (GRCh38, chrX:123,886,229, plus strand): 5'-CTTTCAGAACTGGCCAGACTATGCTCACCTAACCCCAAGAGAGTTAGCAAGTGCTGGACT[C>CT]TACTACACAGGTATTGGTGACCAAGTGCAGTGCTTTTGTTGTGGTGGAAAACTGAAAAAT-3'

ClinVar aggregate classification (germline): Pathogenic (1 of 4 stars; one submission).

Conditions:
X-linked lymphoproliferative disease due to XIAP deficiency. Also called: XIAP DEFICIENCY; XIAP-Related Lymphoproliferative Disease, X-Linked. Identifiers: Orphanet 2442, Orphanet 538934, MedGen C1845076, MONDO:0010385, OMIM 300635.

Submission:

Labcorp Genetics (formerly Invitae), Labcorp
Classification: Pathogenic for X-linked lymphoproliferative disease due to XIAP deficiency. Last evaluated: 2025-10-09. Review status: criteria provided, single submitter. Criteria: Invitae Variant Classification Sherloc (09022015). Collection method: clinical testing. Allele origin: germline.
Comment: This sequence change creates a premature translational stop signal (p.Tyr190Leufs*7) in the XIAP gene. It is expected to result in an absent or disrupted protein product. Loss-of-function variants in XIAP are known to be pathogenic (PMID: 17080092, 21119115, 25666262). This variant is not present in population databases (gnomAD no frequency). This premature translational stop signal has been observed in individual(s) with hemophagocytic lymphohistiocytosis (PMID: 34586554). ClinVar contains an entry for this variant (Variation ID: 3645202). For these reasons, this variant has been classified as Pathogenic.

Literature cited by the submitters: PubMed 17080092; PubMed 21119115; PubMed 25666262; PubMed 34586554.